The following is an entry in ClinVar:

ClinVar aggregate classification (germline): Uncertain significance (1 of 4 stars; one submission).

Submission:

Labcorp Genetics (formerly Invitae), Labcorp
Classification: Uncertain significance. Last evaluated: 2023-12-21. Review status: criteria provided, single submitter. Criteria: Invitae Variant Classification Sherloc (09022015). Collection method: clinical testing. Allele origin: germline.
Comment: This sequence change replaces threonine, which is neutral and polar, with arginine, which is basic and polar, at codon 186 of the KCNK4 protein (p.Thr186Arg). This variant is not present in population databases (gnomAD no frequency). This variant has not been reported in the literature in individuals affected with KCNK4-related conditions. An algorithm developed to predict the effect of missense changes on protein structure and function (PolyPhen-2) suggests that this variant is likely to be disruptive. Algorithms developed to predict the effect of sequence changes on RNA splicing suggest that this variant may disrupt the consensus splice site. In summary, the available evidence is currently insufficient to determine the role of this variant in disease. Therefore, it has been classified as a Variant of Uncertain Significance.

NM_033310.3(KCNK4):c.557C>G (p.Thr186Arg)

Genes: KCNK4 (potassium two pore domain channel subfamily K member 4; plus strand), KCNK4-CATSPERZ (KCNK4-CATSPERZ readthrough (NMD candidate); plus strand). Cytogenetic location: 11q13.1.
Variant type: single nucleotide variant.
Coding change: c.557C>G on transcript NM_033310.3 (MANE Select); coding-DNA position 557, C replaced by G.
Protein change: p.Thr186Arg; replaces threonine 186 with arginine.
Molecular consequence: missense variant. On other transcripts: non-coding transcript variant (1).
Genome position (GRCh38, 1-based): chr11:64,297,549, C>G. VCF-style: chr11-64297549-C-G. GRCh37 (hg19) VCF-style: chr11-64065021-C-G.
Other names: c.557C>G, p.Thr186Arg (NM_001317090.2, NM_033311.1); short protein forms T186R.
Identifiers: ClinVar variation 3018706 (VCV003018706.3), dbSNP rs761615611, ClinGen allele CA381165997.